The following is an entry in ClinVar:

NM_004700.4(KCNQ4):c.405+120_405+166del

Gene: KCNQ4 (potassium voltage-gated channel subfamily Q member 4; plus strand). Cytogenetic location: 1p34.2.
Variant type: Deletion.
Coding change: c.405+120_405+166del on transcript NM_004700.4 (MANE Select); bases 120 to 166 of the intron after coding-DNA position 405, 47 bases deleted.
Molecular consequence: intron variant.
Genome position (GRCh38, 1-based): chr1:40,817,475-40,817,521, 47 bases deleted; deleting any 47 consecutive bases within chr1:40,817,429-40,817,521 gives the same sequence; the c. name uses the placement nearest the transcript's 3' end. GRCh37 (hg19): chr1:41,283,147-41,283,193.
Other names: c.405+120_405+166del (NM_172163.3).
Identifiers: ClinVar variation 2572762 (VCV002572762.1), dbSNP rs757160661, ClinGen allele CA21111607.
Genomic context (GRCh38, chr1:40,817,428, plus strand): 5'-AGTCCGGGACTGAGGGGGGCTGTGTGAGGTAGCACCTCTGGGCTGGGAGTCCGGGACTGA[GGGGGGCTGTGTGAGGTAGCACCTCTGGGCTGGGAGTCCGGGACTGAA>G]GGGGGCTGTGTGAGGTAGCACCTCTGGGCTGGGAGTCCGGGACTGAGGGGGGCCGTGTGA-3'

ClinVar aggregate classification (germline): Likely benign (1 of 4 stars; one submission).

Submission:

GeneDx
Classification: Likely benign. Last evaluated: 2021-12-09. Review status: criteria provided, single submitter. Criteria: GeneDx Variant Classification Process June 2021. Collection method: clinical testing. Allele origin: germline. Affected: yes.
Comment: See Variant Classification Assertion Criteria.